The following is an entry in ClinVar:

ClinVar aggregate classification (germline): Likely benign (0 of 4 stars; one submission).

Conditions:
MYCBP2-related disorder. Also called: MYCBP2-related condition.

Allele frequency attached by ClinVar (database versions not stated): 1000 Genomes Project 0.00020; 1000 Genomes Project 30x 0.00031; ExAC 0.00096; gnomAD exomes 0.00109; gnomAD 0.00111; TOPMed 0.00111; ESP Exome Variant Server 0.00115.
gnomAD v4.1: 1,743 of 1,613,694 alleles (0.11%); highest among the groups gnomAD compares: Admixed American, 0.37%; 4 homozygotes.

Submission:

PreventionGenetics, part of Exact Sciences
Classification: Likely benign for MYCBP2-related condition. Last evaluated: 2019-07-12. Review status: no assertion criteria provided. Collection method: clinical testing. Allele origin: germline.
Comment: This variant is classified as likely benign based on ACMG/AMP sequence variant interpretation guidelines (Richards et al. 2015 PMID: 25741868, with internal and published modifications).

NM_015057.5(MYCBP2):c.8736T>G (p.Pro2912=)

Gene: MYCBP2 (MYC binding protein 2; minus strand). Cytogenetic location: 13q22.3.
Variant type: single nucleotide variant.
Coding change: c.8736T>G on transcript NM_015057.5 (MANE Select); coding-DNA position 8736, T replaced by G.
Protein change: p.Pro2912=; no amino-acid change (proline 2912 retained).
Molecular consequence: synonymous variant.
Genome position (GRCh38, 1-based): chr13:77,098,418, A>C on the plus strand (T>G on the coding strand, the complement: MYCBP2 is on the minus strand). VCF-style: chr13-77098418-A-C. GRCh37 (hg19) VCF-style: chr13-77672553-A-C.
Identifiers: ClinVar variation 3049743 (VCV003049743.2), dbSNP rs146009453, ClinGen allele CA7008612.